The following is an entry in ClinVar:

ClinVar aggregate classification (germline): Benign/Likely benign. Review status: criteria provided, multiple submitters, no conflicts (2 of 4 stars). 4 submissions from 4 submitters: Benign (3); Likely benign (1). Last evaluated 2026-02-01.

Conditions:
Long QT syndrome 15 (LQT15). Identifiers: Orphanet 101016, Orphanet 768, MedGen C4015695, MONDO:0014550, OMIM 616249.
Long QT syndrome 1 (LQT1). Identifiers: Orphanet 101016, Orphanet 768, MedGen C4551647, MONDO:0100316, OMIM 192500, MONDO:0008646.

Submissions (4):

Labcorp Genetics (formerly Invitae), Labcorp
Classification: Benign for Long QT syndrome 1. Last evaluated: 2026-02-01. Review status: criteria provided, single submitter. Criteria: Invitae Variant Classification Sherloc (09022015). Collection method: clinical testing. Allele origin: germline.

ARUP Laboratories, Molecular Genetics and Genomics, ARUP Laboratories
Classification: Benign for Long QT syndrome 15. Last evaluated: 2025-02-28. Review status: criteria provided, single submitter. Criteria: ARUP Molecular Germline Variant Investigation Process 2024. Collection method: clinical testing. Allele origin: germline.

Women's Health and Genetics/Laboratory Corporation of America, LabCorp
Classification: Benign. Last evaluated: 2023-10-19. Review status: criteria provided, single submitter. Criteria: LabCorp Variant Classification Summary - May 2015. Collection method: clinical testing. Allele origin: germline.

GeneDx
Classification: Likely benign. Last evaluated: 2017-08-22. Review status: criteria provided, single submitter. Criteria: GeneDx Variant Classification (06012015). Collection method: clinical testing. Allele origin: germline. Affected: yes.
Comment: This variant is considered likely benign or benign based on one or more of the following criteria: it is a conservative change, it occurs at a poorly conserved position in the protein, it is predicted to be benign by multiple in silico algorithms, and/or has population frequency not consistent with disease.

NM_001743.6(CALM2):c.286-18_286-17del

Gene: CALM2 (calmodulin 2; minus strand). Cytogenetic location: 2p21.
Variant type: Microsatellite.
Coding change: c.286-18_286-17del on transcript NM_001743.6 (MANE Select); 18 bases into the intron before coding-DNA position 286 through 17 bases into the intron before coding-DNA position 286, 2 bases deleted (TA; older notation c.286-18_286-17delTA).
Molecular consequence: intron variant.
Genome position (GRCh38, 1-based): chr2:47,161,875-47,161,876, TA deleted on the plus strand (TA on the coding strand, the reverse complement: CALM2 is on the minus strand); deleting any 2 consecutive bases within chr2:47,161,875-47,161,878 gives the same sequence; the c. name uses the placement nearest the transcript's 3' end. VCF-style (leftmost placement, unchanged base first): chr2-47161874-GTA-G. GRCh37 (hg19) VCF-style: chr2-47389013-GTA-G.
Other names: c.430-18_430-17del (NM_001305624.1); c.178-18_178-17del (NM_001305626.1, NM_001305625.2); c.286-18_286-17delTA (NM_001743.4, NM_001743.6).
Identifiers: ClinVar variation 422684 (VCV000422684.10), dbSNP rs112882205, ClinGen allele CA1648548.